The following is an entry in ClinVar:

NM_020877.5(DNAH2):c.12552C>G (p.Pro4184=)

Gene: DNAH2 (dynein axonemal heavy chain 2; plus strand). Cytogenetic location: 17p13.1.
Variant type: single nucleotide variant.
Coding change: c.12552C>G on transcript NM_020877.5 (MANE Select); coding-DNA position 12552, C replaced by G.
Protein change: p.Pro4184=; no amino-acid change (proline 4184 retained).
Molecular consequence: synonymous variant.
Genome position (GRCh38, 1-based): chr17:7,831,482, C>G. VCF-style: chr17-7831482-C-G. GRCh37 (hg19) VCF-style: chr17-7734800-C-G.
Identifiers: ClinVar variation 3038414 (VCV003038414.2), dbSNP rs11872058, ClinGen allele CA8359766.

ClinVar aggregate classification (germline): Benign (0 of 4 stars; one submission).

Conditions:
DNAH2-related disorder. Also called: DNAH2-related condition.

Allele frequency attached by ClinVar (database versions not stated): ESP Exome Variant Server 0.01007; 1000 Genomes Project 0.01038; 1000 Genomes Project 30x 0.01140.
gnomAD v4.1: 2,600 of 1,614,188 alleles (0.16%); highest among the groups gnomAD compares: African/African-American, 2.9%; 31 homozygotes.

Submission:

PreventionGenetics, part of Exact Sciences
Classification: Benign for DNAH2-related condition. Last evaluated: 2019-05-01. Review status: no assertion criteria provided. Collection method: clinical testing. Allele origin: germline.
Comment: This variant is classified as benign based on ACMG/AMP sequence variant interpretation guidelines (Richards et al. 2015 PMID: 25741868, with internal and published modifications).